The following is an entry in ClinVar:

NM_014849.5(SV2A):c.323G>A (p.Gly108Asp)

Gene: SV2A (synaptic vesicle glycoprotein 2A; minus strand). Cytogenetic location: 1q21.2.
Variant type: single nucleotide variant.
Coding change: c.323G>A on transcript NM_014849.5 (MANE Select); coding-DNA position 323, G replaced by A.
Protein change: p.Gly108Asp; replaces glycine 108 with aspartic acid.
Molecular consequence: missense variant.
Genome position (GRCh38, 1-based): chr1:149,913,518, C>T on the plus strand (G>A on the coding strand, the complement: SV2A is on the minus strand). VCF-style: chr1-149913518-C-T. GRCh37 (hg19) VCF-style: chr1-149885070-C-T.
Other names: c.323G>A, p.Gly108Asp (NM_001328674.2, NM_001328675.2); short protein forms G108D.
Identifiers: ClinVar variation 3044186 (VCV003044186.2), dbSNP rs142331474, ClinGen allele CA1071265.

ClinVar aggregate classification (germline): Likely benign (0 of 4 stars; one submission).

Conditions:
SV2A-related disorder. Also called: SV2A-related condition.

Allele frequency attached by ClinVar (database versions not stated): 1000 Genomes Project 0.00120; gnomAD 0.00121; 1000 Genomes Project 30x 0.00141; TOPMed 0.00145; ESP Exome Variant Server 0.00161.
gnomAD v4.1: 338 of 1,613,720 alleles (0.021%); highest among the groups gnomAD compares: African/African-American, 0.39%; 1 homozygote.

Submission:

PreventionGenetics, part of Exact Sciences
Classification: Likely benign for SV2A-related condition. Last evaluated: 2022-05-17. Review status: no assertion criteria provided. Collection method: clinical testing. Allele origin: germline.
Comment: This variant is classified as likely benign based on ACMG/AMP sequence variant interpretation guidelines (Richards et al. 2015 PMID: 25741868, with internal and published modifications).